The following is an entry in ClinVar:

NM_000303.3(PMM2):c.94C>G (p.Leu32Val)

Gene: PMM2 (phosphomannomutase 2; plus strand). Cytogenetic location: 16p13.2.
Variant type: single nucleotide variant.
Coding change: c.94C>G on transcript NM_000303.3 (MANE Select); coding-DNA position 94, C replaced by G.
Protein change: p.Leu32Val; replaces leucine 32 with valine.
Molecular consequence: missense variant.
Genome position (GRCh38, 1-based): chr16:8,801,826, C>G. VCF-style: chr16-8801826-C-G. GRCh37 (hg19) VCF-style: chr16-8895683-C-G.
Other names: short protein forms L32V.
Identifiers: ClinVar variation 1945008 (VCV001945008.5), dbSNP rs1234062900, ClinGen allele CA394695179.
Genomic context (GRCh38, chr16:8,801,826, plus strand): 5'-TATGACTGTTGTATTTTCTTTCTTGAAATTTAGAAAATTACCAAAGAAATGGATGACTTC[C>G]TACAAAAATTGAGGCAGAAGATCAAAATCGGAGTGGTAGGCGGATCGGACTTTGAGAAAG-3'
Protein context (NP_000294.1, residues 22-42): QKITKEMDDF[Leu32Val]QKLRQKIKIG

ClinVar aggregate classification (germline): Likely pathogenic (1 of 4 stars; one submission).

Conditions:
PMM2-congenital disorder of glycosylation. Also called: CARBOHYDRATE-DEFICIENT GLYCOPROTEIN SYNDROME, TYPE Ia; Congenital disorder of glycosylation, type Ia; PMM2-CDG; JAEKEN SYNDROME; PHOSPHOMANNOMUTASE 2 DEFICIENCY; CDG Ia. Identifiers: Orphanet 79318, MedGen C0349653, MONDO:0008907, OMIM 212065.

Allele frequency attached by ClinVar (database versions not stated): gnomAD exomes 0.00001.
gnomAD v4.1: 3 of 1,610,720 alleles (0.00019%); highest among the groups gnomAD compares: Admixed American, 0.005%; no homozygotes.

Submission:

Labcorp Genetics (formerly Invitae), Labcorp
Classification: Likely pathogenic for PMM2-congenital disorder of glycosylation. Last evaluated: 2022-09-23. Review status: criteria provided, single submitter. Criteria: Invitae Variant Classification Sherloc (09022015). Collection method: clinical testing. Allele origin: germline.
Comment: This sequence change replaces leucine, which is neutral and non-polar, with valine, which is neutral and non-polar, at codon 32 of the PMM2 protein (p.Leu32Val). This variant is present in population databases (no rsID available, gnomAD 0.009%). This variant has not been reported in the literature in individuals affected with PMM2-related conditions. Advanced modeling of protein sequence and biophysical properties (such as structural, functional, and spatial information, amino acid conservation, physicochemical variation, residue mobility, and thermodynamic stability) performed at Invitae indicates that this missense variant is expected to disrupt PMM2 protein function. This variant disrupts the p.Leu32 amino acid residue in PMM2. Other variant(s) that disrupt this residue have been determined to be pathogenic (PMID: 17451957, 19235233, 23988505, 25355454). This suggests that this residue is clinically significant, and that variants that disrupt this residue are likely to be disease-causing. In summary, the currently available evidence indicates that the variant is pathogenic, but additional data are needed to prove that conclusively. Therefore, this variant has been classified as Likely Pathogenic.

Literature cited by the submitters: PubMed 17451957; PubMed 19235233; PubMed 23988505; PubMed 25355454.